The following is an entry in ClinVar:

NM_001384474.1(LOXHD1):c.2879C>G (p.Ser960Ter)

Gene: LOXHD1 (lipoxygenase homology PLAT domains 1; minus strand). Cytogenetic location: 18q21.1.
Variant type: single nucleotide variant.
Coding change: c.2879C>G on transcript NM_001384474.1 (MANE Select); coding-DNA position 2879, C replaced by G.
Protein change: p.Ser960Ter; replaces serine 960 with a stop codon.
Molecular consequence: nonsense.
Genome position (GRCh38, 1-based): chr18:46,560,265, G>C on the plus strand (C>G on the coding strand, the complement: LOXHD1 is on the minus strand). VCF-style: chr18-46560265-G-C. GRCh37 (hg19) VCF-style: chr18-44140228-G-C.
Other names: c.2879C>G, p.Ser960Ter (NM_144612.7); short protein forms S960*.
Identifiers: ClinVar variation 2862053 (VCV002862053.3), dbSNP rs1290539447, ClinGen allele CA402370754.
Genomic context (GRCh38, chr18:46,560,265, plus strand): 5'-CCAAACTCCTCCTCTTCCTCCTCTTCTTCCATCTCCTCCTCCTCTGACGAGGACTCCTCT[G>C]ATGAGGACGACTCCTCTTCCTCCCCCTCGTCCTCTTCGTCGCTGCCCTTCCTCTTCTTCT-3'

ClinVar aggregate classification (germline): Pathogenic (1 of 4 stars; one submission).

Submission:

Labcorp Genetics (formerly Invitae), Labcorp
Classification: Pathogenic. Last evaluated: 2023-05-05. Review status: criteria provided, single submitter. Criteria: Invitae Variant Classification Sherloc (09022015). Collection method: clinical testing. Allele origin: germline.
Comment: This sequence change creates a premature translational stop signal (p.Ser960*) in the LOXHD1 gene. It is expected to result in an absent or disrupted protein product. Loss-of-function variants in LOXHD1 are known to be pathogenic (PMID: 19732867, 21465660, 25792669). This variant is not present in population databases (gnomAD no frequency). This variant has not been reported in the literature in individuals affected with LOXHD1-related conditions. For these reasons, this variant has been classified as Pathogenic.

Literature cited by the submitters: PubMed 19732867; PubMed 21465660; PubMed 25792669.